The following is an entry in ClinVar:

ClinVar aggregate classification (germline): Uncertain significance (1 of 4 stars; one submission).

Submission:

Labcorp Genetics (formerly Invitae), Labcorp
Classification: Uncertain significance. Last evaluated: 2024-04-22. Review status: criteria provided, single submitter. Criteria: Invitae Variant Classification Sherloc (09022015). Collection method: clinical testing. Allele origin: germline.
Comment: This sequence change replaces arginine, which is basic and polar, with glutamine, which is neutral and polar, at codon 541 of the ASXL1 protein (p.Arg541Gln). This variant is not present in population databases (gnomAD no frequency). This variant has not been reported in the literature in individuals affected with ASXL1-related conditions. An algorithm developed to predict the effect of missense changes on protein structure and function (PolyPhen-2) suggests that this variant is likely to be disruptive. In summary, the available evidence is currently insufficient to determine the role of this variant in disease. Therefore, it has been classified as a Variant of Uncertain Significance.

NM_015338.6(ASXL1):c.1622G>A (p.Arg541Gln)

Gene: ASXL1 (ASXL transcriptional regulator 1; plus strand). Cytogenetic location: 20q11.21.
Variant type: single nucleotide variant.
Coding change: c.1622G>A on transcript NM_015338.6 (MANE Select); coding-DNA position 1622, G replaced by A.
Protein change: p.Arg541Gln; replaces arginine 541 with glutamine.
Molecular consequence: missense variant.
Genome position (GRCh38, 1-based): chr20:32,433,820, G>A. VCF-style: chr20-32433820-G-A. GRCh37 (hg19) VCF-style: chr20-31021623-G-A.
Other names: c.1439G>A, p.Arg480Gln (NM_001363734.1); short protein forms R480Q, R541Q.
Identifiers: ClinVar variation 3669144 (VCV003669144.2).